The following is an entry in ClinVar:

ClinVar aggregate classification (germline): Uncertain significance (1 of 4 stars; one submission).

Submission:

Labcorp Genetics (formerly Invitae), Labcorp
Classification: Uncertain significance. Last evaluated: 2021-01-15. Review status: criteria provided, single submitter. Criteria: Invitae Variant Classification Sherloc (09022015). Collection method: clinical testing. Allele origin: germline.
Comment: In summary, the available evidence is currently insufficient to determine the role of this variant in disease. Therefore, it has been classified as a Variant of Uncertain Significance. Algorithms developed to predict the effect of missense changes on protein structure and function (SIFT, PolyPhen-2, Align-GVGD) all suggest that this variant is likely to be tolerated, but these predictions have not been confirmed by published functional studies and their clinical significance is uncertain. This variant has not been reported in the literature in individuals with CLCN4-related conditions. This variant is not present in population databases (ExAC no frequency). This sequence change replaces isoleucine with valine at codon 457 of the CLCN4 protein (p.Ile457Val). The isoleucine residue is highly conserved and there is a small physicochemical difference between isoleucine and valine.

NM_001830.4(CLCN4):c.1369A>G (p.Ile457Val)

Gene: CLCN4 (chloride voltage-gated channel 4; plus strand). Cytogenetic location: Xp22.2.
Variant type: single nucleotide variant.
Coding change: c.1369A>G on transcript NM_001830.4 (MANE Select); coding-DNA position 1369, A replaced by G.
Protein change: p.Ile457Val; replaces isoleucine 457 with valine.
Molecular consequence: missense variant.
Genome position (GRCh38, 1-based): chrX:10,208,570, A>G. VCF-style: chrX-10208570-A-G. GRCh37 (hg19) VCF-style: chrX-10176610-A-G.
Other names: c.1087A>G, p.Ile363Val (NM_001256944.2); short protein forms I457V, I363V.
Identifiers: ClinVar variation 945665 (VCV000945665.9), dbSNP rs1924456728, ClinGen allele CA412038780.